The following is an entry in ClinVar:

NM_053025.4(MYLK):c.770A>G (p.Asn257Ser)

Gene: MYLK (myosin light chain kinase; minus strand). Cytogenetic location: 3q21.1.
Variant type: single nucleotide variant.
Coding change: c.770A>G on transcript NM_053025.4 (MANE Select); coding-DNA position 770, A replaced by G.
Protein change: p.Asn257Ser; replaces asparagine 257 with serine.
Molecular consequence: missense variant.
Genome position (GRCh38, 1-based): chr3:123,735,401, T>C on the plus strand (A>G on the coding strand, the complement: MYLK is on the minus strand). VCF-style: chr3-123735401-T-C. GRCh37 (hg19) VCF-style: chr3-123454248-T-C.
Other names: c.242A>G, p.Asn81Ser (NM_001321309.2); c.770A>G, p.Asn257Ser (NM_053026.4, NM_053027.4, NM_053028.4); c.770A>G (NM_053025.3); short protein forms N257S, N81S.
Identifiers: ClinVar variation 2413825 (VCV002413825.7), dbSNP rs769728772, ClinGen allele CA073613.

ClinVar aggregate classification (germline): Uncertain significance. Review status: criteria provided, multiple submitters, no conflicts (2 of 4 stars). 2 submissions from 2 submitters: Uncertain significance (2). Last evaluated 2023-12-03.

Conditions:
Familial thoracic aortic aneurysm and aortic dissection (TAAD). Also called: Thoracic aortic aneurysms and dissections. Identifiers: Orphanet 91387, MedGen C4707243, MONDO:0019625.
Aortic aneurysm, familial thoracic 7 (AAT7). Also called: AORTIC DISSECTION, FAMILIAL, WITH OR WITHOUT AORTIC ANEURYSM. Identifiers: MedGen C3151077, MONDO:0013418, OMIM 613780.

Allele frequency attached by ClinVar (database versions not stated): ExAC 0.00001; gnomAD exomes 0.00001; TOPMed 0.00002.

Submissions (2):

Ambry Genetics
Classification: Uncertain significance for Familial thoracic aortic aneurysm and aortic dissection. Last evaluated: 2023-12-03. Review status: criteria provided, single submitter. Criteria: Ambry Variant Classification Scheme 2023. Collection method: clinical testing. Allele origin: germline.
Comment: The p.N257S variant (also known as c.770A>G), located in coding exon 6 of the MYLK gene, results from an A to G substitution at nucleotide position 770. The asparagine at codon 257 is replaced by serine, an amino acid with highly similar properties. This amino acid position is conserved. In addition, this alteration is predicted to be tolerated by in silico analysis. Since supporting evidence is limited at this time, the clinical significance of this alteration remains unclear.

Labcorp Genetics (formerly Invitae), Labcorp
Classification: Uncertain significance for Aortic aneurysm, familial thoracic 7. Last evaluated: 2022-06-01. Review status: criteria provided, single submitter. Criteria: Invitae Variant Classification Sherloc (09022015). Collection method: clinical testing. Allele origin: germline.
Comment: In summary, the available evidence is currently insufficient to determine the role of this variant in disease. Therefore, it has been classified as a Variant of Uncertain Significance. Algorithms developed to predict the effect of sequence changes on RNA splicing suggest that this variant may create or strengthen a splice site. Advanced modeling of protein sequence and biophysical properties (such as structural, functional, and spatial information, amino acid conservation, physicochemical variation, residue mobility, and thermodynamic stability) performed at Invitae indicates that this missense variant is not expected to disrupt MYLK protein function. This variant has not been reported in the literature in individuals affected with MYLK-related conditions. This variant is present in population databases (rs769728772, gnomAD 0.01%). This sequence change replaces asparagine, which is neutral and polar, with serine, which is neutral and polar, at codon 257 of the MYLK protein (p.Asn257Ser).